The following is an entry in ClinVar:

NM_138927.4(SON):c.1052C>T (p.Ala351Val)

Gene: SON (SON DNA and RNA binding protein; plus strand). Cytogenetic location: 21q22.11.
Variant type: single nucleotide variant.
Coding change: c.1052C>T on transcript NM_138927.4 (MANE Select); coding-DNA position 1052, C replaced by T.
Protein change: p.Ala351Val; replaces alanine 351 with valine.
Molecular consequence: missense variant. On other transcripts: non-coding transcript variant (1), intron variant (1).
Genome position (GRCh38, 1-based): chr21:33,550,283, C>T. VCF-style: chr21-33550283-C-T. GRCh37 (hg19) VCF-style: chr21-34922589-C-T.
Other names: c.1052C>T, p.Ala351Val (NM_001291411.2, NM_032195.3); c.244+3904C>T (NM_001291412.3); short protein forms A351V.
Identifiers: ClinVar variation 4733079 (VCV004733079.1).

ClinVar aggregate classification (germline): Uncertain significance (1 of 4 stars; one submission).

Submission:

Labcorp Genetics (formerly Invitae), Labcorp
Classification: Uncertain significance. Last evaluated: 2025-12-13. Review status: criteria provided, single submitter. Criteria: Invitae Variant Classification Sherloc (09022015). Collection method: clinical testing. Allele origin: germline.
Comment: This sequence change replaces alanine, which is neutral and non-polar, with valine, which is neutral and non-polar, at codon 351 of the SON protein (p.Ala351Val). This variant is not present in population databases (gnomAD no frequency). This variant has not been reported in the literature in individuals affected with SON-related conditions. An algorithm developed to predict the effect of missense changes on protein structure and function (PolyPhen-2) suggests that this variant is likely to be disruptive. In summary, the available evidence is currently insufficient to determine the role of this variant in disease. Therefore, it has been classified as a Variant of Uncertain Significance.